The following is an entry in ClinVar:

NM_002485.5(NBN):c.2245T>C (p.Tyr749His)

Gene: NBN (nibrin; minus strand). Cytogenetic location: 8q21.3.
Variant type: single nucleotide variant.
Coding change: c.2245T>C on transcript NM_002485.5 (MANE Select); coding-DNA position 2245, T replaced by C.
Protein change: p.Tyr749His; replaces tyrosine 749 with histidine.
Molecular consequence: missense variant.
Genome position (GRCh38, 1-based): chr8:89,935,602, A>G on the plus strand (T>C on the coding strand, the complement: NBN is on the minus strand). VCF-style: chr8-89935602-A-G. GRCh37 (hg19) VCF-style: chr8-90947830-A-G.
Other names: c.1999T>C, p.Tyr667His (NM_001024688.3); short protein forms Y749H, Y667H.
Identifiers: ClinVar variation 1788340 (VCV001788340.3), dbSNP rs1199617209, ClinGen allele CA371674702.

ClinVar aggregate classification (germline): Uncertain significance (1 of 4 stars; one submission).

Conditions:
Hereditary cancer-predisposing syndrome. Also called: Neoplastic Syndromes, Hereditary; Tumor predisposition; Hereditary Cancer Syndrome; Hereditary neoplastic syndrome. Identifiers: Orphanet 140162, MedGen C0027672, MeSH D009386, MONDO:0015356.

Allele frequency attached by ClinVar (database versions not stated): TOPMed below 0.00001.

Submission:

Ambry Genetics
Classification: Uncertain significance for Hereditary cancer-predisposing syndrome. Last evaluated: 2024-09-13. Review status: criteria provided, single submitter. Criteria: Ambry Variant Classification Scheme 2023. Collection method: clinical testing. Allele origin: germline.
Comment: The p.Y749H variant (also known as c.2245T>C), located in coding exon 16 of the NBN gene, results from a T to C substitution at nucleotide position 2245. The tyrosine at codon 749 is replaced by histidine, an amino acid with similar properties. This amino acid position is conserved. In addition, this alteration is predicted to be tolerated by in silico analysis. Since supporting evidence is limited at this time, the clinical significance of this alteration remains unclear.